The following is an entry in ClinVar:

NM_000062.3(SERPING1):c.550+9C>G

Gene: SERPING1 (serpin family G member 1; plus strand). Cytogenetic location: 11q12.1.
Variant type: single nucleotide variant.
Coding change: c.550+9C>G on transcript NM_000062.3 (MANE Select); 9 bases into the intron after coding-DNA position 550, C replaced by G.
Molecular consequence: intron variant.
Genome position (GRCh38, 1-based): chr11:57,600,386, C>G. VCF-style: chr11-57600386-C-G. GRCh37 (hg19) VCF-style: chr11-57367859-C-G.
Other names: p.?; c.550+9C>G (NM_001032295.2).
Identifiers: ClinVar variation 695507 (VCV000695507.17), dbSNP rs201294420, ClinGen allele CA6008055.
Genomic context (GRCh38, chr11:57,600,386, plus strand): 5'-ATGGCCTTTTCCCCATTCAGCATCGCCAGCCTCCTTACCCAGGTCCTGCTCGGTAAGACC[C>G]TGCTTGAATTCTCTCCAGGTCATTTGTTGGACACTCCCATAAGAGTCACCAATCCAGACA-3'

ClinVar aggregate classification (germline): Likely benign. Review status: criteria provided, multiple submitters, no conflicts (2 of 4 stars). 5 submissions from 5 submitters: Likely benign (4). 1 of the submissions does not count toward it. Last evaluated 2026-01-20.

Conditions:
SERPING1-related disorder. Also called: SERPING1-related condition.
Hereditary angioedema type 1 (HAE1). Identifiers: Orphanet 100050, Orphanet 100051, Orphanet 91378, MedGen C2717906, MONDO:0015053, OMIM 106100.

Allele frequency attached by ClinVar (database versions not stated): ExAC 0.00024; gnomAD exomes 0.00032 and 0.00082; gnomAD 0.00044 and 0.00046; TOPMed 0.00048; ESP Exome Variant Server 0.00062.
gnomAD v4.1: 1,272 of 1,612,010 alleles (0.079%); highest among the groups gnomAD compares: Middle Eastern, 0.11%; 1 homozygote.

Submissions (5):

Labcorp Genetics (formerly Invitae), Labcorp
Classification: Likely benign. Last evaluated: 2026-01-20. Review status: criteria provided, single submitter. Criteria: Invitae Variant Classification Sherloc (09022015). Collection method: clinical testing. Allele origin: germline.

Mayo Clinic Laboratories, Mayo Clinic
Classification: Likely benign. Last evaluated: 2025-10-08. Review status: criteria provided, single submitter. Criteria: ACMG Guidelines, 2015. Collection method: clinical testing. Allele origin: germline. Observed: 1 variant allele.
Comment: BP4, BP7

Blueprint Genetics
Classification: Likely benign. Last evaluated: 2024-09-18. Review status: criteria provided, single submitter. Criteria: ACMG Guidelines, 2015. Collection method: clinical testing. Allele origin: germline.

Illumina Laboratory Services, Illumina
Classification: Likely benign for Hereditary angioedema type 1. Last evaluated: 2018-01-13. Review status: criteria provided, single submitter. Criteria: ICSL Variant Classification Criteria 13 December 2019. Collection method: clinical testing. Allele origin: germline.
Comment: This variant was observed in the ICSL laboratory as part of a predisposition screen in an ostensibly healthy population. It had not been previously curated by ICSL or reported in the Human Gene Mutation Database (HGMD: prior to June 1st, 2018), and was therefore a candidate for classification through an automated scoring system. Utilizing variant allele frequency, disease prevalence and penetrance estimates, and inheritance mode, an automated score was calculated to assess if this variant is too frequent to cause the disease. Based on the score and internal cut-off values, a variant classified as likely benign is not then subjected to further curation. The score for this variant resulted in a classification of likely benign for this disease.

PreventionGenetics, part of Exact Sciences
Classification: Likely benign for SERPING1-related condition. Last evaluated: 2019-06-06. Review status: no assertion criteria provided. Collection method: clinical testing. Allele origin: germline. Not counted in ClinVar's aggregate classification.
Comment: This variant is classified as likely benign based on ACMG/AMP sequence variant interpretation guidelines (Richards et al. 2015 PMID: 25741868, with internal and published modifications).